The following is an entry in ClinVar:

ClinVar aggregate classification (germline): Uncertain significance (1 of 4 stars; one submission).

Submission:

Labcorp Genetics (formerly Invitae), Labcorp
Classification: Uncertain significance. Last evaluated: 2022-07-18. Review status: criteria provided, single submitter. Criteria: Invitae Variant Classification Sherloc (09022015). Collection method: clinical testing. Allele origin: germline.
Comment: In summary, the available evidence is currently insufficient to determine the role of this variant in disease. Therefore, it has been classified as a Variant of Uncertain Significance. ClinVar contains an entry for this variant (Variation ID: 1348287). This variant has not been reported in the literature in individuals affected with DHCR24-related conditions. This variant is not present in population databases (gnomAD no frequency). This sequence change creates a premature translational stop signal (p.Glu2Alafs*84) in the DHCR24 gene. It is expected to result in an absent or disrupted protein product. However, the current clinical and genetic evidence is not sufficient to establish whether loss-of-function variants in DHCR24 cause disease.

NM_014762.4(DHCR24):c.5_6del (p.Glu2fs)

Gene: DHCR24 (24-dehydrocholesterol reductase; minus strand). Cytogenetic location: 1p32.3.
Variant type: Deletion.
Coding change: c.5_6del on transcript NM_014762.4 (MANE Select); coding-DNA positions 5 to 6, 2 bases deleted (AG; older notation c.5_6delAG).
Protein change: p.Glu2fs; shifts the reading frame from glutamic acid 2.
Molecular consequence: frameshift variant.
Genome position (GRCh38, 1-based): chr1:54,887,114-54,887,115, CT deleted on the plus strand (AG on the coding strand, the reverse complement: DHCR24 is on the minus strand); deleting any 2 consecutive bases within chr1:54,887,114-54,887,116 gives the same sequence; the c. name uses the placement nearest the transcript's 3' end. VCF-style (leftmost placement, unchanged base first): chr1-54887113-GCT-G. GRCh37 (hg19) VCF-style: chr1-55352786-GCT-G.
Other names: short protein forms E2fs.
Identifiers: ClinVar variation 1348287 (VCV001348287.6), dbSNP rs2101581324, ClinGen allele CA2573132472.